The following is an entry in ClinVar:

ClinVar aggregate classification (germline): Pathogenic/Likely pathogenic. Review status: criteria provided, multiple submitters, no conflicts (2 of 4 stars). 8 submissions from 8 submitters: Pathogenic (7); Likely pathogenic (1). Last evaluated 2025-08-20.

Conditions:
GBA1-related disorder. Also called: GBA1-related condition.
Gaucher disease type III. Also called: Gaucher Disease, Type 3; GAUCHER DISEASE, CHRONIC NEURONOPATHIC TYPE; GAUCHER DISEASE, JUVENILE AND ADULT, CEREBRAL; GAUCHER DISEASE, SUBACUTE NEURONOPATHIC TYPE; GD III; Type 3 Gaucher disease (Subacute; Juvenile). Identifiers: Orphanet 355, Orphanet 77261, MedGen C0268251, MONDO:0009267, OMIM 231000.
Gaucher disease-ophthalmoplegia-cardiovascular calcification syndrome. Also called: GAUCHER DISEASE, TYPE IIIC. Identifiers: Orphanet 2072, MedGen C1856476, MONDO:0009268, OMIM 231005.
Gaucher disease type I (GD1). Also called: GAUCHER DISEASE, NONCEREBRAL JUVENILE; GBA DEFICIENCY; GD I; GLUCOCEREBROSIDASE DEFICIENCY; Type 1 Gaucher Disease; Gaucher's disease, type 1. Identifiers: Orphanet 355, Orphanet 77259, MedGen C1961835, MONDO:0009265, OMIM 230800.
Gaucher disease type II (GD2). Also called: GAUCHER DISEASE, ACUTE NEURONOPATHIC TYPE; GD II; Type 2 Gaucher disease (Acute; Infantile); Acute neuronopathic Gaucher's disease. Identifiers: Orphanet 77260, MedGen C0268250, MONDO:0009266, OMIM 230900.
Parkinson disease, late-onset (PD). Also called: PARKINSON DISEASE, LATE-ONSET, SUSCEPTIBILITY TO; Hereditary late onset Parkinson disease; Susceptibility to Parkinson's Disease. Identifiers: Orphanet 411602, MedGen C3160718, MONDO:0008199, OMIM 168600.
Lewy body dementia (DLB). Also called: Lewy Body Disease. Identifiers: MedGen C0752347, MONDO:0007488, OMIM 127750.
Gaucher disease perinatal lethal. Also called: Gaucher disease collodion type; Gaucher Disease, Perinatal-Lethal Form. Identifiers: Orphanet 85212, MedGen C1842704, MONDO:0011945, OMIM 608013.
Gaucher disease. Also called: Acute cerebral Gaucher disease; Cerebroside lipidosis syndrome; Gaucher splenomegaly; Sphingolipidosis 1; Glucocerebrosidosis; Glucosylceramidase deficiency. Identifiers: Orphanet 355, MedGen C0017205, MONDO:0018150.

Submissions (8):

Natera, Inc.
Classification: Pathogenic for Gaucher disease. Last evaluated: 2025-08-20. Review status: criteria provided, single submitter. Criteria: Natera Variant Classification Schema (03/2026). Collection method: clinical testing. Allele origin: germline.
Comment: The c.203dupC variant in GBA1 is a frameshift variant predicted to shift the reading frame beginning at codon 69 and leads to a stop codon 12 codons downstream. This variant is expected to result in nonsense mediated decay, truncation, or a dysfunctional protein product. This variant is rare in the general population with a frequency below the threshold expected for the associated phenotype(s). This variant has been observed in one or more individuals affected with the associated recessive disease, as either homozygous or compound heterozygous with a second variant (PMID: 32985097). Given the available evidence, this variant is classified as Pathogenic.

PreventionGenetics, part of Exact Sciences
Classification: Pathogenic for GBA1-related condition. Last evaluated: 2025-08-02. Review status: criteria provided, single submitter. Criteria: ACMG Guidelines, 2015. Collection method: clinical testing. Allele origin: germline.
Comment: The GBA1 c.203dupC variant is predicted to result in a frameshift and premature protein termination (p.Thr69Aspfs*12). This variant was reported to be causative for Gaucher disease (described as c.203-204insC, Koprivica et al. 2000. PubMed ID: 10796875; described as c.ins203ins C, Sokołowska et al. 2011. PubMed ID: 21744338; described as 203InsC, McNeill et al. 2012. PubMed ID: 22344629). This variant is reported in 0.0033% of alleles in individuals of South Asian descent in gnomAD. Frameshift variants in GBA are expected to be pathogenic. This variant is interpreted as pathogenic.

Revvity Omics, Revvity
Classification: Pathogenic. Last evaluated: 2025-07-26. Review status: criteria provided, single submitter. Criteria: ACMG Guidelines, 2015. Collection method: clinical testing. Allele origin: germline.

GeneDx
Classification: Pathogenic. Last evaluated: 2022-04-05. Review status: criteria provided, single submitter. Criteria: GeneDx Variant Classification Process June 2021. Collection method: clinical testing. Allele origin: germline. Affected: yes.
Comment: Frameshift variant predicted to result in protein truncation or nonsense mediated decay in a gene for which loss of function is a known mechanism of disease; This variant is associated with the following publications: (PMID: 15967693, 21744338, 32985097, 10796875)

Fulgent Genetics
Classification: Pathogenic for Lewy body dementia; Parkinson disease, late-onset; Gaucher disease type I; Gaucher disease type II; Gaucher disease type III; Gaucher disease-ophthalmoplegia-cardiovascular calcification syndrome; Gaucher disease perinatal lethal. Last evaluated: 2022-01-11. Review status: criteria provided, single submitter. Criteria: ACMG Guidelines, 2015. Collection method: clinical testing. Allele origin: unknown.

Women's Health and Genetics/Laboratory Corporation of America, LabCorp
Classification: Pathogenic for Gaucher disease. Last evaluated: 2020-11-10. Review status: criteria provided, single submitter. Criteria: LabCorp Variant Classification Summary - May 2015. Collection method: clinical testing. Allele origin: germline.
Comment: Variant summary: GBA c.203dupC (p.Thr69AspfsX12) results in a premature termination codon, predicted to cause a truncation of the encoded protein or absence of the protein due to nonsense mediated decay, which are commonly known mechanisms for disease. Truncations downstream of this position have been classified as pathogenic by our laboratory. The variant allele was found at a frequency of 4e-06 in 251298 control chromosomes (gnomAD). c.203dupC has been reported in the literature in individuals affected with Gaucher Disease (Koprivica_2000, Chabas_2005, Sokoowska_2011, McNeill_2012). These data indicate that the variant is likely to be associated with disease. To our knowledge, no experimental evidence demonstrating an impact on protein function has been reported. No clinical diagnostic laboratories have submitted clinical-significance assessments for this variant to ClinVar after 2014. Based on the evidence outlined above, the variant was classified as pathogenic.

GeneID Lab - Advanced Molecular Diagnostics
Classification: Likely pathogenic for Gaucher disease. Last evaluated: 2019-11-06. Review status: criteria provided, single submitter. Criteria: ACMG Guidelines, 2015. Collection method: clinical testing. Allele origin: germline. Affected: no. Observed: 1 variant allele.
Comment: This variant inserts one nucleotide in the GBA gene and results in an amino acid alteration, replacing a Threonine (Thr) with an Aspartic acid (Asp) at codon 69 of the protein, creating a premature stop signal in the new reading frame designated as p.Thr69AspfsTer12.The substitution is predicted to produce in a non-functional protein, either through protein truncation or nonsense-mediated mRNA decay. This variant has not been reported in the ClinVar Database (NCBI National Library of Medicine, NIH, Bethesda, MD). However, Rolfs et al (PMID: 24278166) described this mutation among patients affected by Gaucher Disease. Based on these findings and the limited literature regarding this substitution we consider it as a “likely pathogenic variant”.

Ambry Genetics
Classification: Pathogenic. Last evaluated: 2016-12-07. Review status: criteria provided, single submitter. Criteria: Ambry Variant Classification Scheme 2023. Collection method: clinical testing. Allele origin: germline.
Comment: The c.203dupC pathogenic mutation, located in coding exon 3 of the GBA gene, results from a duplication of C at nucleotide position 203, causing a translational frameshift with a predicted alternate stop codon (p.T69Dfs*12). In addition to the clinical data presented in the literature, this alteration is expected to result in loss of function by premature protein truncation or nonsense-mediated mRNA decay. As such, this alteration is interpreted as a disease-causing mutation.

Literature cited by the submitters: PubMed 32985097 (cited by Natera, Inc.); PubMed 10796875 (cited by Women's Health and Genetics/Laboratory Corporation of America, LabCorp and Ambry Genetics); PubMed 18338393 (cited by Women's Health and Genetics/Laboratory Corporation of America, LabCorp); PubMed 16185900 (cited by Women's Health and Genetics/Laboratory Corporation of America, LabCorp); PubMed 22344629 (cited by Women's Health and Genetics/Laboratory Corporation of America, LabCorp); PubMed 15967693 (cited by Women's Health and Genetics/Laboratory Corporation of America, LabCorp); PubMed 11903352 (cited by Women's Health and Genetics/Laboratory Corporation of America, LabCorp); PubMed 21744338 (cited by Women's Health and Genetics/Laboratory Corporation of America, LabCorp); PubMed 24278166 (cited by GeneID Lab - Advanced Molecular Diagnostics).

NM_000157.4(GBA1):c.203dup (p.Thr69fs)

Genes: GBA1 (glucosylceramidase beta 1; minus strand), LOC106627981 (GBA recombination region; plus strand). Cytogenetic location: 1q22.
Variant type: Duplication.
Coding change: c.203dup on transcript NM_000157.4 (MANE Select); coding-DNA position 203, one base duplicated (C; older notation c.203dupC).
Protein change: p.Thr69fs; shifts the reading frame from threonine 69.
Molecular consequence: frameshift variant. On other transcripts: 5 prime UTR variant (1).
Genome position (GRCh38, 1-based): chr1:155,239,990, G duplicated on the plus strand (C on the coding strand, the reverse complement: GBA1 is on the minus strand); the first of 6 consecutive G bases (chr1:155,239,990-155,239,995); duplicating any one gives the same sequence. VCF-style (leftmost placement, unchanged base first): chr1-155239989-C-CG. GRCh37 (hg19) VCF-style: chr1-155209780-C-CG.
Other names: c.203dup, p.Thr69fs (NM_001005741.3, NM_001005742.3, NM_001171812.2); c.-59dup (NM_001171811.2); c.203dupC (NM_001005742.2, NM_000157.3); c.203dup (NM_001005741.2); short protein forms T69fs.
Identifiers: ClinVar variation 987870 (VCV000987870.17), dbSNP rs1170895261, ClinGen allele CA526434151.